The following is an entry in ClinVar:

ClinVar aggregate classification (germline): Likely benign. Review status: criteria provided, single submitter (1 of 4 stars). 2 submissions from 2 submitters: Likely benign (1). 1 of the submissions does not count toward it. Last evaluated 2026-02-01.

Conditions:
MAPT-related disorder. Also called: MAPT-related condition; MAPT-Related Disorders.

Allele frequency attached by ClinVar (database versions not stated): ESP Exome Variant Server 0.00015.
gnomAD v4.1: 138 of 1,613,990 alleles (0.0086%); highest among the groups gnomAD compares: South Asian, 0.054%; 1 homozygote.

Submissions (2):

CeGaT Center for Human Genetics Tuebingen
Classification: Likely benign. Last evaluated: 2026-02-01. Review status: criteria provided, single submitter. Criteria: CeGaT Center For Human Genetics Tuebingen Variant Classification Criteria Version 2. Collection method: clinical testing. Allele origin: germline. Affected: yes. Observed: 3 variant alleles.
Comment: MAPT: BP4, BP7

PreventionGenetics, part of Exact Sciences
Classification: Likely benign for MAPT-related condition. Last evaluated: 2024-02-27. Review status: no assertion criteria provided. Collection method: clinical testing. Allele origin: germline. Not counted in ClinVar's aggregate classification.
Comment: This variant is classified as likely benign based on ACMG/AMP sequence variant interpretation guidelines (Richards et al. 2015 PMID: 25741868, with internal and published modifications).

NM_001377265.1(MAPT):c.1179G>T (p.Ser393=)

Gene: MAPT (microtubule associated protein tau). Cytogenetic location: 17q21.31.
Variant type: single nucleotide variant.
Coding change: c.1179G>T on transcript NM_001377265.1 (MANE Select); coding-DNA position 1179, G replaced by T.
Protein change: p.Ser393=; no amino-acid change (serine 393 retained).
Molecular consequence: synonymous variant. On other transcripts: intron variant (8).
Genome position (GRCh38, 1-based): chr17:45,983,758, G>T. VCF-style: chr17-45983758-G-T. GRCh37 (hg19) VCF-style: chr17-44061124-G-T.
Other names: c.954G>T, p.Ser318= (NM_001123066.4, NM_016835.5); c.1179G>T, p.Ser393= (NM_001377266.1); c.200-3282G>T (NM_001377268.1, NM_016834.5, NM_016841.5); c.374-3282G>T (NM_005910.6, NM_001203252.2); c.287-3282G>T (NM_001123067.4, NM_001203251.2, NM_001377267.1).
Identifiers: ClinVar variation 3042522 (VCV003042522.8), dbSNP rs139144750, ClinGen allele CA8617805.